The following is an entry in ClinVar:

NM_001364857.2(ADGRB2):c.267G>A (p.Val89=)

Gene: ADGRB2 (adhesion G protein-coupled receptor B2; minus strand). Cytogenetic location: 1p35.2.
Variant type: single nucleotide variant.
Coding change: c.267G>A on transcript NM_001364857.2 (MANE Select); coding-DNA position 267, G replaced by A.
Protein change: p.Val89=; no amino-acid change (valine 89 retained).
Molecular consequence: synonymous variant.
Genome position (GRCh38, 1-based): chr1:31,756,570, C>T on the plus strand (G>A on the coding strand, the complement: ADGRB2 is on the minus strand). VCF-style: chr1-31756570-C-T. GRCh37 (hg19) VCF-style: chr1-32222171-C-T.
Other names: c.267G>A, p.Val89= (NM_001294335.2, NM_001294336.2, NM_001703.2).
Identifiers: ClinVar variation 2982967 (VCV002982967.3), dbSNP rs1330388021, ClinGen allele CA417111569.

ClinVar aggregate classification (germline): Uncertain significance (1 of 4 stars; one submission).

Allele frequency attached by ClinVar (database versions not stated): TOPMed below 0.00001; gnomAD 0.00001; gnomAD exomes 0.00004.
gnomAD v4.1: 54 of 1,611,856 alleles (0.0034%); highest among the groups gnomAD compares: Non-Finnish European, 0.0046%; no homozygotes.

Submission:

Labcorp Genetics (formerly Invitae), Labcorp
Classification: Uncertain significance. Last evaluated: 2023-10-12. Review status: criteria provided, single submitter. Criteria: Invitae Variant Classification Sherloc (09022015). Collection method: clinical testing. Allele origin: germline.
Comment: This sequence change affects codon 89 of the ADGRB2 mRNA. It is a 'silent' change, meaning that it does not change the encoded amino acid sequence of the ADGRB2 protein. This variant is not present in population databases (gnomAD no frequency). This variant has not been reported in the literature in individuals affected with ADGRB2-related conditions. Algorithms developed to predict the effect of sequence changes on RNA splicing suggest that this variant may create or strengthen a splice site. In summary, the available evidence is currently insufficient to determine the role of this variant in disease. Therefore, it has been classified as a Variant of Uncertain Significance.